The following is an entry in ClinVar:

ClinVar aggregate classification (germline): Uncertain significance (1 of 4 stars; one submission).

Submission:

Labcorp Genetics (formerly Invitae), Labcorp
Classification: Uncertain significance. Last evaluated: 2025-04-16. Review status: criteria provided, single submitter. Criteria: Invitae Variant Classification Sherloc (09022015). Collection method: clinical testing. Allele origin: germline.
Comment: This sequence change replaces leucine, which is neutral and non-polar, with proline, which is neutral and non-polar, at codon 219 of the FSCN2 protein (p.Leu219Pro). This variant is not present in population databases (gnomAD no frequency). This variant has not been reported in the literature in individuals affected with FSCN2-related conditions. ClinVar contains an entry for this variant (Variation ID: 3723832). An algorithm developed to predict the effect of missense changes on protein structure and function (PolyPhen-2) suggests that this variant is likely to be disruptive. In summary, the available evidence is currently insufficient to determine the role of this variant in disease. Therefore, it has been classified as a Variant of Uncertain Significance.

NM_012418.4(FSCN2):c.656T>C (p.Leu219Pro)

Gene: FSCN2 (fascin actin-bundling protein 2, retinal; plus strand). Cytogenetic location: 17q25.3.
Variant type: single nucleotide variant.
Coding change: c.656T>C on transcript NM_012418.4 (MANE Select); coding-DNA position 656, T replaced by C.
Protein change: p.Leu219Pro; replaces leucine 219 with proline.
Molecular consequence: missense variant.
Genome position (GRCh38, 1-based): chr17:81,529,187, T>C. VCF-style: chr17-81529187-T-C. GRCh37 (hg19) VCF-style: chr17-79496213-T-C.
Other names: c.656T>C, p.Leu219Pro (NM_001077182.3); short protein forms L219P.
Identifiers: ClinVar variation 3723832 (VCV003723832.2).
Genomic context (GRCh38, chr17:81,529,187, plus strand): 5'-GTCTGGTCTGGGAGCCTGAGCCCCGTGCCTGCTACACGCTGGAGTTCAAGGCGGGCAAGC[T>C]GGCCTTCAAGGACTGCGACGGCCACTACCTGGCACCCGTGGGGCCCGCAGGCACCCTCAA-3'
Protein context (NP_036550.1, residues 209-229): CYTLEFKAGK[Leu219Pro]AFKDCDGHYL